The following is an entry in ClinVar:

NM_004168.4(SDHA):c.256A>T (p.Asn86Tyr)

Gene: SDHA (succinate dehydrogenase complex flavoprotein subunit A; plus strand). Cytogenetic location: 5p15.33.
Variant type: single nucleotide variant.
Coding change: c.256A>T on transcript NM_004168.4 (MANE Select); coding-DNA position 256, A replaced by T.
Protein change: p.Asn86Tyr; replaces asparagine 86 with tyrosine.
Molecular consequence: missense variant.
Genome position (GRCh38, 1-based): chr5:224,465, A>T. VCF-style: chr5-224465-A-T. GRCh37 (hg19) VCF-style: chr5-224580-A-T.
Other names: c.256A>T, p.Asn86Tyr (NM_001294332.2, NM_001330758.2); short protein forms N86Y.
Identifiers: ClinVar variation 2587071 (VCV002587071.2), dbSNP rs200519133, ClinGen allele CA359008584.

ClinVar aggregate classification (germline): Uncertain significance (1 of 4 stars; one submission).

Conditions:
Hereditary cancer-predisposing syndrome. Also called: Tumor predisposition; Hereditary Cancer Syndrome; Hereditary neoplastic syndrome; Neoplastic Syndromes, Hereditary. Identifiers: Orphanet 140162, MedGen C0027672, MeSH D009386, MONDO:0015356.

Submission:

Ambry Genetics
Classification: Uncertain significance for Hereditary cancer-predisposing syndrome. Last evaluated: 2023-07-01. Review status: criteria provided, single submitter. Criteria: Ambry Variant Classification Scheme 2023. Collection method: clinical testing. Allele origin: germline.
Comment: The p.N86Y variant (also known as c.256A>T), located in coding exon 3 of the SDHA gene, results from an A to T substitution at nucleotide position 256. The asparagine at codon 86 is replaced by tyrosine, an amino acid with dissimilar properties. This amino acid position is conserved. In addition, the in silico prediction for this alteration is inconclusive. Since supporting evidence is limited at this time, the clinical significance of this alteration remains unclear.